The following is an entry in ClinVar:

ClinVar aggregate classification (germline): Uncertain significance (1 of 4 stars; one submission).

Conditions:
SEMA3C-related disorder. Also called: SEMA3C-related condition.

Submission:

PreventionGenetics, part of Exact Sciences
Classification: Uncertain significance for SEMA3C-related condition. Last evaluated: 2025-04-09. Review status: criteria provided, single submitter. Criteria: ACMG Guidelines, 2015. Collection method: clinical testing. Allele origin: germline.
Comment: The SEMA3C c.2081_2082delinsTG variant is predicted to result in an in-frame deletion and insertion. To our knowledge, this variant has not been reported in the literature or in a large population database (gnomAD), indicating this variant is rare. At this time, the clinical significance of this variant is uncertain due to the absence of conclusive functional and genetic evidence.

NM_006379.5(SEMA3C):c.2027_2028inv (p.Pro676Leu)

Gene: SEMA3C (semaphorin 3C; minus strand). Cytogenetic location: 7q21.11.
Variant type: Inversion.
Coding change: c.2027_2028inv on transcript NM_006379.5 (MANE Select).
Protein change: p.Pro676Leu; replaces proline 676 with leucine.
Molecular consequence: missense variant.
Genome position: GRCh38 VCF-style: chr7-80745122-TG-CA. GRCh37 (hg19) VCF-style: chr7-80374438-TG-CA.
Other names: c.2081_2082inv, p.Pro694Leu (NM_001350120.2); c.1853_1854inv, p.Pro618Leu (NM_001350121.2); short protein forms P676L, P618L, P694L.
Identifiers: ClinVar variation 4982129 (VCV004982129.1).